The following is an entry in ClinVar:

ClinVar aggregate classification (germline): Conflicting classifications of pathogenicity. Review status: criteria provided, conflicting classifications (1 of 4 stars). 9 submissions from 9 submitters: Uncertain significance (1); Benign (1); Likely benign (7). Last evaluated 2025-12-01.

Conditions:
PRX-related disorder. Also called: PRX-Related Disorders; PRX-related condition.
Charcot-Marie-Tooth disease type 4. Also called: Charcot-Marie-Tooth disease, type IV; Charcot-Marie-Tooth, Type 4. Identifiers: Orphanet 64749, MedGen C4082197, MONDO:0018995.
Inborn genetic diseases. Identifiers: MedGen C0950123, MeSH D030342.
Charcot-Marie-Tooth disease. Also called: Charcot-Marie-Tooth Hereditary Neuropathy; Charcot-Marie-Tooth Neuropathy. Identifiers: Orphanet 166, MedGen C0007959, MONDO:0015626.
Charcot-Marie-Tooth disease type 4F. Also called: Charcot-Marie-Tooth disease, demyelinating, type 4F. Identifiers: Orphanet 99952, MedGen C3540453, MONDO:0013959, OMIM 614895.

Allele frequency attached by ClinVar (database versions not stated): ESP Exome Variant Server 0.00008; 1000 Genomes Project 30x 0.00016; gnomAD exomes 0.00019; 1000 Genomes Project 0.00020; gnomAD 0.00022; TOPMed 0.00023; ExAC 0.00025.
gnomAD v4.1: 300 of 1,612,880 alleles (0.019%); highest among the groups gnomAD compares: Non-Finnish European, 0.023%; no homozygotes.

Submissions (9):

Labcorp Genetics (formerly Invitae), Labcorp
Classification: Likely benign for Charcot-Marie-Tooth disease type 4. Last evaluated: 2025-12-01. Review status: criteria provided, single submitter. Criteria: Invitae Variant Classification Sherloc (09022015). Collection method: clinical testing. Allele origin: germline.

PreventionGenetics, part of Exact Sciences
Classification: Likely benign for PRX-related condition. Last evaluated: 2025-08-26. Review status: criteria provided, single submitter. Criteria: ACMG Guidelines, 2015. Collection method: clinical testing. Allele origin: germline.
Comment: This variant is classified as likely benign based on ACMG/AMP sequence variant interpretation guidelines (Richards et al. 2015 PMID: 25741868, with internal and published modifications).

CeGaT Center for Human Genetics Tuebingen
Classification: Likely benign. Last evaluated: 2025-08-01. Review status: criteria provided, single submitter. Criteria: CeGaT Center For Human Genetics Tuebingen Variant Classification Criteria Version 2. Collection method: clinical testing. Allele origin: germline. Affected: yes. Observed: 2 variant alleles.
Comment: PRX: BP4, BP7

Mayo Clinic Laboratories, Mayo Clinic
Classification: Likely benign. Last evaluated: 2025-01-31. Review status: criteria provided, single submitter. Criteria: ACMG Guidelines, 2015. Collection method: clinical testing. Allele origin: germline. Observed: 1 variant allele.
Comment: BP4, BP7

Athena Diagnostics
Classification: Benign. Last evaluated: 2021-01-20. Review status: criteria provided, single submitter. Criteria: Athena Diagnostics criteria. Collection method: clinical testing. Allele origin: unknown.

GeneDx
Classification: Likely benign. Last evaluated: 2020-08-03. Review status: criteria provided, single submitter. Criteria: GeneDx Variant Classification Process June 2021. Collection method: clinical testing. Allele origin: germline. Affected: yes.

Ambry Genetics
Classification: Likely benign for Inborn genetic diseases. Last evaluated: 2019-07-11. Review status: criteria provided, single submitter. Criteria: Ambry Variant Classification Scheme 2023. Collection method: clinical testing. Allele origin: germline.

Illumina Laboratory Services, Illumina
Classification: Uncertain significance for Charcot-Marie-Tooth disease type 4F. Last evaluated: 2018-01-13. Review status: criteria provided, single submitter. Criteria: ICSL Variant Classification Criteria 13 December 2019. Collection method: clinical testing. Allele origin: germline.

Molecular Genetics Laboratory, London Health Sciences Centre
Classification: Likely benign for Charcot-Marie-Tooth disease. Review status: criteria provided, single submitter. Criteria: ACMG Guidelines, 2015. Collection method: clinical testing. Allele origin: germline. Affected: yes.

NM_181882.3(PRX):c.993G>A (p.Pro331=)

Gene: PRX (periaxin; minus strand). Cytogenetic location: 19q13.2.
Variant type: single nucleotide variant.
Coding change: c.993G>A on transcript NM_181882.3 (MANE Select); coding-DNA position 993, G replaced by A.
Protein change: p.Pro331=; no amino-acid change (proline 331 retained).
Molecular consequence: synonymous variant. On other transcripts: 3 prime UTR variant (1).
Genome position (GRCh38, 1-based): chr19:40,397,359, C>T on the plus strand (G>A on the coding strand, the complement: PRX is on the minus strand). VCF-style: chr19-40397359-C-T. GRCh37 (hg19) VCF-style: chr19-40903266-C-T.
Other names: p.Pro331=; c.*1198G>A (NM_020956.2).
Identifiers: ClinVar variation 476984 (VCV000476984.44), dbSNP rs146323928, ClinGen allele CA9444344.
Genomic context (GRCh38, chr19:40,397,359, plus strand): 5'-AGGTGCCTCTCCCCGGGCCTCCACCTCTGCACCCGGCAAGGCCAGGTCCACCCCCACAGT[C>T]GGTGCTGCCACATCCAGGGTGGGCACCACTACCGACACAGCCCCTTCCCGGGTCTCTAGG-3'
Protein context (NP_870998.2, residues 321-341): VVVPTLDVAA[Pro331=]TVGVDLALPG